The following is an entry in ClinVar:

ClinVar aggregate classification (germline): Likely pathogenic (1 of 4 stars; one submission).

Conditions:
Zellweger spectrum disorders (ZS). Also called: Zellweger Spectrum Disorder (ZSD); Zellweger syndrome; Zellweger Spectrum Disorder; Zellweger Spectrum. Identifiers: Orphanet 912, MedGen C0043459, MONDO:0019609.

Submission:

Natera, Inc.
Classification: Likely pathogenic for Zellweger syndrome. Last evaluated: 2024-05-29. Review status: criteria provided, single submitter. Criteria: Natera Variant Classification Schema (03/2026). Collection method: clinical testing. Allele origin: germline.
Comment: The c.2338C>T variant in PEX6 is a nonsense variant predicted to introduce a stop codon at amino acid 780. This variant is expected to result in nonsense mediated decay, truncation, or a dysfunctional protein product. This variant is rare in the general population with a frequency below the threshold expected for the associated phenotype(s). Given the available evidence, this variant is classified as Likely Pathogenic.

NM_000287.4(PEX6):c.2338C>T (p.Gln780Ter)

Gene: PEX6 (peroxisomal biogenesis factor 6; minus strand). Cytogenetic location: 6p21.1.
Variant type: single nucleotide variant.
Coding change: c.2338C>T on transcript NM_000287.4 (MANE Select); coding-DNA position 2338, C replaced by T.
Protein change: p.Gln780Ter; replaces glutamine 780 with a stop codon.
Molecular consequence: nonsense.
Genome position (GRCh38, 1-based): chr6:42,966,068, G>A on the plus strand (C>T on the coding strand, the complement: PEX6 is on the minus strand). VCF-style: chr6-42966068-G-A. GRCh37 (hg19) VCF-style: chr6-42933806-G-A.
Other names: c.2074C>T, p.Gln692Ter (NM_001316313.2); short protein forms Q692*, Q780*.
Identifiers: ClinVar variation 4818114 (VCV004818114.1).